The following is an entry in ClinVar:

ClinVar aggregate classification (germline): Uncertain significance (1 of 4 stars; one submission).

Submission:

Women's Health and Genetics/Laboratory Corporation of America, LabCorp
Classification: Uncertain significance. Last evaluated: 2026-01-07. Review status: criteria provided, single submitter. Criteria: LabCorp Variant Classification Summary - May 2015. Collection method: clinical testing. Allele origin: germline.
Comment: Variant summary: ZIC1 c.1285G>A (p.Val429Ile) results in a conservative amino acid change in the encoded protein sequence. Algorithms developed to predict the effect of missense changes on protein structure and function are either unavailable or do not agree on the potential impact of this missense change. The variant allele was found at a frequency of 4e-06 in 251480 control chromosomes. The available data on variant occurrences in the general population are insufficient to allow any conclusion about variant significance. To our knowledge, no occurrence of c.1285G>A in individuals affected with ZIC1-related conditions and no experimental evidence demonstrating its impact on protein function have been reported. No submitters have cited clinical-significance assessments for this variant to ClinVar. Based on the evidence outlined above, the variant was classified as uncertain significance.

NM_003412.4(ZIC1):c.1285G>A (p.Val429Ile)

Gene: ZIC1 (Zic family zinc finger 1; plus strand). Cytogenetic location: 3q24.
Variant type: single nucleotide variant.
Coding change: c.1285G>A on transcript NM_003412.4 (MANE Select); coding-DNA position 1285, G replaced by A.
Protein change: p.Val429Ile; replaces valine 429 with isoleucine.
Molecular consequence: missense variant.
Genome position (GRCh38, 1-based): chr3:147,413,492, G>A. VCF-style: chr3-147413492-G-A. GRCh37 (hg19) VCF-style: chr3-147131279-G-A.
Other names: short protein forms V429I.
Identifiers: ClinVar variation 4689571 (VCV004689571.1).